The following is an entry in ClinVar:

NM_000806.5(GABRA1):c.-441A>G

Gene: GABRA1 (gamma-aminobutyric acid type A receptor subunit alpha1; plus strand). Cytogenetic location: 5q34.
Variant type: single nucleotide variant.
Coding change: c.-441A>G on transcript NM_000806.5; 441 bases upstream of the start codon, A replaced by G.
Molecular consequence: 5 prime UTR variant.
Genome position (GRCh38, 1-based): chr5:161,847,218, A>G. VCF-style: chr5-161847218-A-G. GRCh37 (hg19) VCF-style: chr5-161274224-A-G.
Identifiers: ClinVar variation 352585 (VCV000352585.8), dbSNP rs11576001, ClinGen allele CA10624005.

ClinVar aggregate classification (germline): Benign. Review status: criteria provided, multiple submitters, no conflicts (2 of 4 stars). 2 submissions from 2 submitters: Benign (2). Last evaluated 2018-06-26.

Conditions:
Epilepsy, idiopathic generalized, susceptibility to, 13. Also called: EPILEPSY, JUVENILE MYOCLONIC, SUSCEPTIBILITY TO, 5. Identifiers: Orphanet 307, Orphanet 64280, MedGen C4013473, MONDO:0012627, OMIM 611136.

Allele frequency attached by ClinVar (database versions not stated): gnomAD 0.29650 and 0.29922; TOPMed 0.30947; 1000 Genomes Project 0.36202; gnomAD exomes 0.20000.
gnomAD v4.1: 45,097 of 151,258 alleles (30%); highest among the groups gnomAD compares: African/African-American, 47%; 7,786 homozygotes.

Submissions (2):

GeneDx
Classification: Benign. Last evaluated: 2018-06-26. Review status: criteria provided, single submitter. Criteria: GeneDx Variant Classification Process June 2021. Collection method: clinical testing. Allele origin: germline. Affected: yes.

Illumina Laboratory Services, Illumina
Classification: Benign for Epilepsy, idiopathic generalized, susceptibility to, 13. Last evaluated: 2018-01-12. Review status: criteria provided, single submitter. Criteria: ICSL Variant Classification Criteria 13 December 2019. Collection method: clinical testing. Allele origin: germline.
Comment: This variant was observed in the ICSL laboratory as part of a predisposition screen in an ostensibly healthy population. It had not been previously curated by ICSL or reported in the Human Gene Mutation Database (HGMD: prior to June 1st, 2018), and was therefore a candidate for classification through an automated scoring system. Utilizing variant allele frequency, disease prevalence and penetrance estimates, and inheritance mode, an automated score was calculated to assess if this variant is too frequent to cause the disease. Based on the score and internal cut-off values, a variant classified as benign is not then subjected to further curation. The score for this variant resulted in a classification of benign for this disease.